The following is an entry in ClinVar:

NM_001378454.1(ALMS1):c.1636C>T (p.His546Tyr)

Gene: ALMS1 (ALMS1 centrosome and basal body associated protein; plus strand). Cytogenetic location: 2p13.1.
Variant type: single nucleotide variant.
Coding change: c.1636C>T on transcript NM_001378454.1 (MANE Select); coding-DNA position 1636, C replaced by T.
Protein change: p.His546Tyr; replaces histidine 546 with tyrosine.
Molecular consequence: missense variant.
Genome position (GRCh38, 1-based): chr2:73,448,163, C>T. VCF-style: chr2-73448163-C-T. GRCh37 (hg19) VCF-style: chr2-73675290-C-T.
Other names: c.1639C>T, p.His547Tyr (NM_015120.4); short protein forms H547Y, H546Y.
Identifiers: ClinVar variation 1401267 (VCV001401267.4), dbSNP rs1671845179, ClinGen allele CA347264982.

ClinVar aggregate classification (germline): Uncertain significance (1 of 4 stars; one submission).

Conditions:
Alstrom syndrome (ALMS). Identifiers: Orphanet 64, MedGen C0268425, MONDO:0008763, OMIM 203800.

Allele frequency attached by ClinVar (database versions not stated): TOPMed below 0.00001; gnomAD 0.00001.
gnomAD v4.1: 2 of 1,613,936 alleles (0.00012%); highest among the groups gnomAD compares: African/African-American, 0.0027%; no homozygotes.

Submission:

Labcorp Genetics (formerly Invitae), Labcorp
Classification: Uncertain significance for Alstrom syndrome. Last evaluated: 2023-11-27. Review status: criteria provided, single submitter. Criteria: Invitae Variant Classification Sherloc (09022015). Collection method: clinical testing. Allele origin: germline.
Comment: This sequence change replaces histidine, which is basic and polar, with tyrosine, which is neutral and polar, at codon 547 of the ALMS1 protein (p.His547Tyr). This variant is not present in population databases (gnomAD no frequency). This variant has not been reported in the literature in individuals affected with ALMS1-related conditions. ClinVar contains an entry for this variant (Variation ID: 1401267). Experimental studies and prediction algorithms are not available or were not evaluated, and the functional significance of this variant is currently unknown. In summary, the available evidence is currently insufficient to determine the role of this variant in disease. Therefore, it has been classified as a Variant of Uncertain Significance.